The following is an entry in ClinVar:

NM_001002294.3(FMO3):c.1055T>A (p.Leu352Ter)

Gene: FMO3 (flavin containing dimethylaniline monoxygenase 3; plus strand). Cytogenetic location: 1q24.3.
Variant type: single nucleotide variant.
Coding change: c.1055T>A on transcript NM_001002294.3 (MANE Select); coding-DNA position 1055, T replaced by A.
Protein change: p.Leu352Ter; replaces leucine 352 with a stop codon.
Molecular consequence: nonsense.
Genome position (GRCh38, 1-based): chr1:171,114,234, T>A. VCF-style: chr1-171114234-T-A. GRCh37 (hg19) VCF-style: chr1-171083374-T-A.
Other names: c.995T>A, p.Leu332Ter (NM_001319173.2); c.866T>A, p.Leu289Ter (NM_001319174.2); c.1055T>A, p.Leu352Ter (NM_006894.6); short protein forms L289*, L332*, L352*.
Identifiers: ClinVar variation 5014440 (VCV005014440.1).

ClinVar aggregate classification (germline): Pathogenic (1 of 4 stars; one submission).

Conditions:
Trimethylaminuria (TMAU). Also called: FISH-ODOR SYNDROME; Fish malodor syndrome; Stale fish syndrome; TMAuria; Primary Trimethylaminuria. Identifiers: MedGen C0342739, MONDO:0011182, OMIM 602079, HP:0003614. Disease mechanism: loss of function.

Submission:

Myriad Genetics, Inc.
Classification: Pathogenic for Trimethylaminuria. Last evaluated: 2025-05-14. Review status: criteria provided, single submitter. Criteria: Myriad Autosomal Dominant, Autosomal Recessive and X-Linked Classification Criteria (2023). Collection method: clinical testing. Allele origin: unknown.
Comment: NM_001002294.2(FMO3):c.1055T>A(L352*) is expected to be pathogenic in the context of primary trimethylaminuria. This variant is predicted to lead to an abnormal or absent protein product due to the creation of a premature termination codon in FMO3, a gene where loss-of-function variants are known to be pathogenic. Please note: this variant was assessed in the context of healthy population screening.